The following is an entry in ClinVar:

ClinVar aggregate classification (germline): Benign (1 of 4 stars; one submission).

Conditions:
Pheochromocytoma. Also called: MAX-Related Hereditary Paraganglioma-Pheochromocytoma Syndrome. Identifiers: Orphanet 29072, MedGen C0031511, MONDO:0008233, OMIM 171300, HP:0002666.

Allele frequency attached by ClinVar (database versions not stated): gnomAD 0.00029 and 0.00031; TOPMed 0.00032; 1000 Genomes Project 0.00120.
gnomAD v4.1: 384 of 1,286,162 alleles (0.03%); highest among the groups gnomAD compares: African/African-American, 0.082%; no homozygotes.

Submission:

Illumina Laboratory Services, Illumina
Classification: Benign for Pheochromocytoma. Last evaluated: 2018-01-13. Review status: criteria provided, single submitter. Criteria: ICSL Variant Classification Criteria 13 December 2019. Collection method: clinical testing. Allele origin: germline.
Comment: This variant was observed in the ICSL laboratory as part of a predisposition screen in an ostensibly healthy population. It had not been previously curated by ICSL or reported in the Human Gene Mutation Database (HGMD: prior to June 1st, 2018), and was therefore a candidate for classification through an automated scoring system. Utilizing variant allele frequency, disease prevalence and penetrance estimates, and inheritance mode, an automated score was calculated to assess if this variant is too frequent to cause the disease. Based on the score and internal cut-off values, a variant classified as benign is not then subjected to further curation. The score for this variant resulted in a classification of benign for this disease.

NM_002382.5(MAX):c.*128T>A

Gene: MAX (MYC associated transcriptional regulator X; minus strand). Cytogenetic location: 14q23.3.
Variant type: single nucleotide variant.
Coding change: c.*128T>A on transcript NM_002382.5 (MANE Select); 128 bases downstream of the stop codon, T replaced by A.
Molecular consequence: 3 prime UTR variant. On other transcripts: intron variant (2).
Genome position (GRCh38, 1-based): chr14:65,076,348, A>T on the plus strand (T>A on the coding strand, the complement: MAX is on the minus strand). VCF-style: chr14-65076348-A-T. GRCh37 (hg19) VCF-style: chr14-65543066-A-T.
Other names: c.*128T>A (NM_145112.3, NM_001407107.1, NM_001407111.1 and 7 more transcripts); c.*400T>A (NM_145113.3, NM_001407109.1, NM_001407110.1 and 4 more transcripts); c.144+17360T>A (NM_001271069.2); c.171+17360T>A (NM_197957.4); c.*384T>A (NM_001407108.1, NM_001407102.1, NM_001407104.1 and 2 more transcripts).
Identifiers: ClinVar variation 880742 (VCV000880742.5), dbSNP rs539193441, ClinGen allele CA262716890.